The following is an entry in ClinVar:

ClinVar aggregate classification (germline): Uncertain significance (1 of 4 stars; one submission).

Allele frequency attached by ClinVar (database versions not stated): TOPMed below 0.00001; ExAC 0.00001; gnomAD exomes 0.00001.
gnomAD v4.1: 9 of 1,614,020 alleles (0.00056%); highest among the groups gnomAD compares: Admixed American, 0.0017%; no homozygotes.

Submission:

Labcorp Genetics (formerly Invitae), Labcorp
Classification: Uncertain significance. Last evaluated: 2025-01-06. Review status: criteria provided, single submitter. Criteria: Invitae Variant Classification Sherloc (09022015). Collection method: clinical testing. Allele origin: germline.
Comment: This sequence change replaces lysine, which is basic and polar, with glutamic acid, which is acidic and polar, at codon 2671 of the DMXL2 protein (p.Lys2671Glu). This variant is present in population databases (rs745987378, gnomAD 0.002%). This variant has not been reported in the literature in individuals affected with DMXL2-related conditions. ClinVar contains an entry for this variant (Variation ID: 2418443). An algorithm developed to predict the effect of missense changes on protein structure and function (PolyPhen-2) suggests that this variant is likely to be disruptive. In summary, the available evidence is currently insufficient to determine the role of this variant in disease. Therefore, it has been classified as a Variant of Uncertain Significance.

NM_001378457.1(DMXL2):c.8074A>G (p.Lys2692Glu)

Gene: DMXL2 (Dmx like 2; minus strand). Cytogenetic location: 15q21.2.
Variant type: single nucleotide variant.
Coding change: c.8074A>G on transcript NM_001378457.1 (MANE Select); coding-DNA position 8074, A replaced by G.
Protein change: p.Lys2692Glu; replaces lysine 2692 with glutamic acid.
Molecular consequence: missense variant. On other transcripts: non-coding transcript variant (2).
Genome position (GRCh38, 1-based): chr15:51,458,711, T>C on the plus strand (A>G on the coding strand, the complement: DMXL2 is on the minus strand). VCF-style: chr15-51458711-T-C. GRCh37 (hg19) VCF-style: chr15-51750908-T-C.
Other names: c.8011A>G, p.Lys2671Glu (NM_001174116.3); c.6100A>G, p.Lys2034Glu (NM_001174117.3); c.8071A>G, p.Lys2691Glu (NM_001378458.1); c.7786A>G, p.Lys2596Glu (NM_001378459.1); c.5989A>G, p.Lys1997Glu (NM_001378460.1); c.8008A>G, p.Lys2670Glu (NM_015263.5); short protein forms K1997E, K2034E, K2596E, K2670E, K2671E, K2691E, K2692E.
Identifiers: ClinVar variation 2418443 (VCV002418443.6), dbSNP rs745987378, ClinGen allele CA7561163.
Genomic context (GRCh38, chr15:51,458,711, plus strand): 5'-TGATTTAAGCAATTTCACTAAGGAGAAATACACTGTGTATAATGATGAGAGCTTTTACCT[T>C]ATTAACAGAAAATGCCATGATCATATCAGATTCCTTATGGATGACTTTCGCCTTTCCACC-3'
Protein context (NP_001365386.1, residues 2682-2702): SDMIMAFSVN[Lys2692Glu]ANCNEIVLAS